The following is an entry in ClinVar:

NM_005052.3(RAC3):c.203G>C (p.Arg68Pro)

Gene: RAC3 (Rac family small GTPase 3; plus strand). Cytogenetic location: 17q25.3.
Variant type: single nucleotide variant.
Coding change: c.203G>C on transcript NM_005052.3 (MANE Select); coding-DNA position 203, G replaced by C.
Protein change: p.Arg68Pro; replaces arginine 68 with proline.
Molecular consequence: missense variant.
Genome position (GRCh38, 1-based): chr17:82,032,806, G>C. VCF-style: chr17-82032806-G-C. GRCh37 (hg19) VCF-style: chr17-79990682-G-C.
Other names: c.203G>C, p.Arg68Pro (NM_001316307.2); short protein forms R68P.
Identifiers: ClinVar variation 2431413 (VCV002431413.1), dbSNP rs1322924150, ClinGen allele CA401553036.

ClinVar aggregate classification (germline): Uncertain significance (1 of 4 stars; one submission).

Conditions:
Neurodevelopmental disorder with structural brain anomalies and dysmorphic facies (NEDBAF). Identifiers: Orphanet 659609, MedGen C5231416, MONDO:0032820, OMIM 618577.

Submission:

Laboratorio de Genetica e Diagnostico Molecular, Hospital Israelita Albert Einstein
Classification: Uncertain significance for Neurodevelopmental disorder with structural brain anomalies and dysmorphic facies. Last evaluated: 2022-04-05. Review status: criteria provided, single submitter. Criteria: ACMG Guidelines, 2015. Collection method: clinical testing. Allele origin: germline. Affected: yes. Observed: 1 variant allele.
Comment: ACMG classification criteria: PM2 moderated, PP2 supporting, PP3 supporting